The following is an entry in ClinVar:

ClinVar aggregate classification (germline): Uncertain significance. Review status: criteria provided, multiple submitters, no conflicts (2 of 4 stars). 2 submissions from 2 submitters: Uncertain significance (2). Last evaluated 2025-10-18.

Conditions:
Spastic paraplegia. Identifiers: MedGen C0037772, HP:0001258.

Allele frequency attached by ClinVar (database versions not stated): TOPMed below 0.00001; gnomAD 0.00001; ExAC 0.00002; gnomAD exomes 0.00002 and 0.00003.

Submissions (2):

Labcorp Genetics (formerly Invitae), Labcorp
Classification: Uncertain significance for Spastic paraplegia. Last evaluated: 2025-10-18. Review status: criteria provided, single submitter. Criteria: Invitae Variant Classification Sherloc (09022015). Collection method: clinical testing. Allele origin: germline.
Comment: This sequence change replaces arginine, which is basic and polar, with tryptophan, which is neutral and slightly polar, at codon 99 of the ZFYVE26 protein (p.Arg99Trp). This variant is present in population databases (rs779962087, gnomAD 0.004%), including at least one homozygous and/or hemizygous individual. This variant has not been reported in the literature in individuals affected with ZFYVE26-related conditions. ClinVar contains an entry for this variant (Variation ID: 425047). An algorithm developed to predict the effect of missense changes on protein structure and function (PolyPhen-2) suggests that this variant is likely to be tolerated. In summary, the available evidence is currently insufficient to determine the role of this variant in disease. Therefore, it has been classified as a Variant of Uncertain Significance.

CeGaT Center for Human Genetics Tuebingen
Classification: Uncertain significance. Last evaluated: 2016-09-01. Review status: criteria provided, single submitter. Criteria: CeGaT Center For Human Genetics Tuebingen Variant Classification Criteria Version 2. Collection method: clinical testing. Allele origin: germline. Affected: yes. Observed: 1 variant allele.

NM_015346.4(ZFYVE26):c.295C>T (p.Arg99Trp)

Gene: ZFYVE26 (zinc finger FYVE-type containing 26; minus strand). Cytogenetic location: 14q24.1.
Variant type: single nucleotide variant.
Coding change: c.295C>T on transcript NM_015346.4 (MANE Select); coding-DNA position 295, C replaced by T.
Protein change: p.Arg99Trp; replaces arginine 99 with tryptophan.
Molecular consequence: missense variant.
Genome position (GRCh38, 1-based): chr14:67,809,268, G>A on the plus strand (C>T on the coding strand, the complement: ZFYVE26 is on the minus strand). VCF-style: chr14-67809268-G-A. GRCh37 (hg19) VCF-style: chr14-68275985-G-A.
Other names: short protein forms R99W.
Identifiers: ClinVar variation 425047 (VCV000425047.46), dbSNP rs779962087, ClinGen allele CA7240829.